The following is an entry in ClinVar:

ClinVar aggregate classification (germline): Likely pathogenic (1 of 4 stars; one submission).

Conditions:
Inborn genetic diseases. Identifiers: MedGen C0950123, MeSH D030342.

Submission:

Ambry Genetics
Classification: Likely pathogenic for Inborn genetic diseases. Last evaluated: 2026-01-29. Review status: criteria provided, single submitter. Criteria: Ambry Variant Classification Scheme 2023. Collection method: clinical testing. Allele origin: germline.
Comment: The c.3436-2A>T intronic variant consists of an A to T substitution two nucleotides before exon 49 (coding exon 49) of the COL2A1 gene. Variants that disrupt the canonical splice site are expected to result in aberrant splicing. A resulting transcript is predicted to be in-frame and is not expected to trigger nonsense-mediated mRNAdecay, although direct evidence is unavailable. However, the region predicted to be impacted is critical for protein function (Ambry internal data). This variant was not reported in population-based cohorts in the Genome Aggregation Database (gnomAD). This nucleotide position is well conserved in available vertebrate species. In silico splice site analysis predicts that this alteration will weaken the native splice acceptor site and may result in the creation or strengthening of a novel splice acceptor site. Based on the available evidence, this alteration is classified as likely pathogenic.

NM_001844.5(COL2A1):c.3436-2A>T

Gene: COL2A1 (collagen type II alpha 1 chain; minus strand). Cytogenetic location: 12q13.11.
Variant type: single nucleotide variant.
Coding change: c.3436-2A>T on transcript NM_001844.5 (MANE Select); the canonical splice acceptor site of the intron before coding-DNA position 3436, A replaced by T.
Molecular consequence: splice acceptor variant.
Genome position (GRCh38, 1-based): chr12:47,976,569, T>A on the plus strand (A>T on the coding strand, the complement: COL2A1 is on the minus strand). VCF-style: chr12-47976569-T-A. GRCh37 (hg19) VCF-style: chr12-48370352-T-A.
Other names: c.3229-2A>T (NM_033150.3).
Identifiers: ClinVar variation 4839609 (VCV004839609.1).
Genomic context (GRCh38, chr12:47,976,569, plus strand): 5'-CTTACTCTAGGGCCAGAAGGACCAGCAGGACCAGAAGCACCTTGGTCTCCAGAAGGACCC[T>A]GTGTAGAAGGAAGAGGCAAAAGGCCACGGTCAGCACAGACATATCTATCTATATTCTGGG-3'